The following is an entry in ClinVar:

NM_022051.2(EGLN1):c.-2345G>C

Gene: EGLN1 (egl-9 family hypoxia inducible factor 1; minus strand). Cytogenetic location: 1q42.2.
Variant type: single nucleotide variant.
Coding change: c.-2345G>C on transcript NM_022051.2; 2345 bases upstream of the start codon, G replaced by C.
Genome position (GRCh38, 1-based): chr1:231,424,233, C>G on the plus strand (G>C on the coding strand, the complement: EGLN1 is on the minus strand). VCF-style: chr1-231424233-C-G. GRCh37 (hg19) VCF-style: chr1-231559979-C-G.
Identifiers: ClinVar variation 875308 (VCV000875308.6), dbSNP rs145066596, ClinGen allele CA38951510.
Genomic context (GRCh38, chr1:231,424,233, plus strand): 5'-CTTAATTATTCACAAGAGCAGGAACTTTACTAGGAGGACTCATTCCACAAACACTTGATT[C>G]TTCCAACAATTTCTTTTAAATTTGCTATTTCAGTCTGTGGTGTGTCCACAAATTATTTAC-3'

ClinVar aggregate classification (germline): Benign (1 of 4 stars; one submission).

Conditions:
Erythrocytosis, familial, 3 (ECYT3). Identifiers: Orphanet 247511, MedGen C1853286, MONDO:0012353, OMIM 609820.

Allele frequency attached by ClinVar (database versions not stated): gnomAD 0.00239 and 0.00228; TOPMed 0.00299; 1000 Genomes Project 30x 0.00203; 1000 Genomes Project 0.00180.

Submission:

Illumina Laboratory Services, Illumina
Classification: Benign for Erythrocytosis, familial, 3. Last evaluated: 2018-01-12. Review status: criteria provided, single submitter. Criteria: ICSL Variant Classification Criteria 13 December 2019. Collection method: clinical testing. Allele origin: germline.
Comment: This variant was observed in the ICSL laboratory as part of a predisposition screen in an ostensibly healthy population. It had not been previously curated by ICSL or reported in the Human Gene Mutation Database (HGMD: prior to June 1st, 2018), and was therefore a candidate for classification through an automated scoring system. Utilizing variant allele frequency, disease prevalence and penetrance estimates, and inheritance mode, an automated score was calculated to assess if this variant is too frequent to cause the disease. Based on the score and internal cut-off values, a variant classified as benign is not then subjected to further curation. The score for this variant resulted in a classification of benign for this disease.